The following is an entry in ClinVar:

NM_001378454.1(ALMS1):c.10063C>G (p.Gln3355Glu)

Gene: ALMS1 (ALMS1 centrosome and basal body associated protein; plus strand). Cytogenetic location: 2p13.1.
Variant type: single nucleotide variant.
Coding change: c.10063C>G on transcript NM_001378454.1 (MANE Select); coding-DNA position 10063, C replaced by G.
Protein change: p.Gln3355Glu; replaces glutamine 3355 with glutamic acid.
Molecular consequence: missense variant.
Genome position (GRCh38, 1-based): chr2:73,550,422, C>G. VCF-style: chr2-73550422-C-G. GRCh37 (hg19) VCF-style: chr2-73777549-C-G.
Other names: c.10066C>G, p.Gln3356Glu (NM_015120.4); short protein forms Q3355E, Q3356E.
Identifiers: ClinVar variation 4756052 (VCV004756052.1).
Genomic context (GRCh38, chr2:73,550,422, plus strand): 5'-GGAATCTACAGTAAGAGGGTAGTGACTAAGGCATCCTTGCCAGTGGGAGAAAAACCCTTG[C>G]AGAATGAAAATGCAGGTAACTGGATTGGCTTTGTATACTTTGTAGCTTTTTCTCCCCTTT-3'
Protein context (NP_001365383.1, residues 3345-3365): ASLPVGEKPL[Gln3355Glu]NENADASVQV

ClinVar aggregate classification (germline): Uncertain significance (1 of 4 stars; one submission).

Submission:

GeneDx
Classification: Uncertain significance. Last evaluated: 2025-08-07. Review status: criteria provided, single submitter. Criteria: GeneDx Variant Classification Process June 2021. Collection method: clinical testing. Allele origin: germline. Affected: yes.
Comment: Not observed at significant frequency in large population cohorts (gnomAD); In silico analysis suggests that this missense variant does not alter protein structure/function; Has not been previously published as pathogenic or benign to our knowledge